The following is an entry in ClinVar:

ClinVar aggregate classification (germline): Benign/Likely benign. Review status: criteria provided, multiple submitters, no conflicts (2 of 4 stars). 15 submissions from 15 submitters: Benign (4); Likely benign (9). 2 of the submissions do not count toward it. Last evaluated 2026-09-01.

Conditions:
Inborn genetic diseases. Identifiers: MedGen C0950123, MeSH D030342.
Wilson disease (WND). Also called: Wilson's disease. Identifiers: Orphanet 905, MedGen C0019202, MONDO:0010200, OMIM 277900. Disease mechanism: loss of function.

Allele frequency attached by ClinVar (database versions not stated): ESP Exome Variant Server 0.00360; gnomAD 0.00400 and 0.00430; ExAC 0.00119; TOPMed 0.00442; gnomAD exomes 0.00032 and 0.00096; 1000 Genomes Project 0.00339; 1000 Genomes Project 30x 0.00359.

Submissions (15):

CeGaT Center for Human Genetics Tuebingen
Classification: Likely benign. Last evaluated: 2026-09-01. Review status: criteria provided, single submitter. Criteria: CeGaT Center For Human Genetics Tuebingen Variant Classification Criteria Version 2. Collection method: clinical testing. Allele origin: germline. Affected: yes. Observed: 6 variant alleles.
Comment: ATP7B: PM5, BS1

Labcorp Genetics (formerly Invitae), Labcorp
Classification: Benign for Wilson disease. Last evaluated: 2026-02-04. Review status: criteria provided, single submitter. Criteria: Invitae Variant Classification Sherloc (09022015). Collection method: clinical testing. Allele origin: germline.

Mayo Clinic Laboratories, Mayo Clinic
Classification: Likely benign. Last evaluated: 2025-08-22. Review status: criteria provided, single submitter. Criteria: ACMG Guidelines, 2015. Collection method: clinical testing. Allele origin: germline. Observed: 6 variant alleles.
Comment: BS1

Blueprint Genetics
Classification: Likely benign. Last evaluated: 2024-10-16. Review status: criteria provided, single submitter. Criteria: ACMG Guidelines, 2015. Collection method: clinical testing. Allele origin: germline.

All of Us Research Program, National Institutes of Health
Classification: Likely benign for Wilson disease. Last evaluated: 2024-02-05. Review status: criteria provided, single submitter. Criteria: ACMG Guidelines, 2015. Collection method: clinical testing. Allele origin: germline. Inheritance: Autosomal recessive inheritance. Observed: 241 variant alleles, 238 heterozygotes, 3 homozygotes.
Comment: This study involves interpretation of variants in research participants for the purpose of population health screening. Participant phenotype was not available at the time of variant classification. Additional details can be found in publication PMID: 35346344, PMCID: PMC8962531

Color Diagnostics, LLC DBA Color Health
Classification: Likely benign for Wilson disease. Last evaluated: 2022-09-29. Review status: criteria provided, single submitter. Criteria: ACMG Guidelines, 2015. Collection method: clinical testing. Allele origin: germline.

Mendelics
Classification: Likely benign for Wilson disease. Last evaluated: 2019-05-28. Review status: criteria provided, single submitter. Criteria: Mendelics Assertion Criteria 2017. Collection method: clinical testing. Allele origin: unknown.

Women's Health and Genetics/Laboratory Corporation of America, LabCorp
Classification: Benign. Last evaluated: 2017-07-06. Review status: criteria provided, single submitter. Criteria: LabCorp Variant Classification Summary - May 2015. Collection method: clinical testing. Allele origin: germline.
Comment: Variant summary: The c.3101A>G (p.His1034Arg) in ATP7B gene is a missense change that involves a conserved nucleotide and 3/5 in silico tools predict benign outcome. The variant is present in the control population dataset of ExAC at frequency of 0.0012 (141/118116 chrs tested), predominantly in individuals of African descent (0.0143; 133/9302 chrs, including 3 homozygotes). The observed frequency exceeds the maximum expected allele frequency for a pathogenic variant in this gene (0.0054), suggesting that it is an ethnic benign polymorphism. The variant of interest has not, to our knowledge, been identified in affected individuals via published reports, but is cited as Benign/Likely Benign by reputable database/clinical laboratories. Taking together, based on the prevalence in general population the variant was classified as Benign.

GeneDx
Classification: Benign. Last evaluated: 2017-05-11. Review status: criteria provided, single submitter. Criteria: GeneDx Variant Classification (06012015). Collection method: clinical testing. Allele origin: germline. Affected: yes.
Comment: This variant is considered likely benign or benign based on one or more of the following criteria: it is a conservative change, it occurs at a poorly conserved position in the protein, it is predicted to be benign by multiple in silico algorithms, and/or has population frequency not consistent with disease.

ARUP Laboratories, Molecular Genetics and Genomics, ARUP Laboratories
Classification: Likely benign. Last evaluated: 2016-12-02. Review status: criteria provided, single submitter. Criteria: ARUP Molecular Germline Variant Investigation Process. Collection method: clinical testing. Allele origin: germline.

Ambry Genetics
Classification: Likely benign for Inborn genetic diseases. Last evaluated: 2016-05-17. Review status: criteria provided, single submitter. Criteria: Ambry Variant Classification Scheme 2023. Collection method: clinical testing. Allele origin: germline.

Breakthrough Genomics
Classification: Likely benign. Review status: criteria provided, single submitter. Criteria: ACMG Guidelines, 2015. Collection method: not provided. Allele origin: germline. Inheritance: Autosomal recessive inheritance. Affected: yes.

PreventionGenetics, part of Exact Sciences
Classification: Benign. Review status: criteria provided, single submitter. Criteria: ACMG Guidelines, 2015. Collection method: clinical testing. Allele origin: germline.

Natera, Inc.
Classification: Benign for Wilson disease. Last evaluated: 2020-04-15. Review status: no assertion criteria provided. Collection method: clinical testing. Allele origin: germline. Not counted in ClinVar's aggregate classification.

CSER _CC_NCGL, University of Washington
Classification: Uncertain significance for Wilson disease. Last evaluated: 2014-06-01. Review status: no assertion criteria provided. Collection method: research. Allele origin: germline. Inheritance: Autosomal recessive inheritance. Study: ESP 6500 variant annotation. Not counted in ClinVar's aggregate classification.
Comment: Variants classified for the Actionable exomic incidental findings in 6503 participants: challenges of variant classification manuscript

Literature cited by the submitters: PubMed 30476936 (cited by Mayo Clinic Laboratories, Mayo Clinic); PubMed 24253677 (cited by Ambry Genetics).

NM_000053.4(ATP7B):c.3101A>G (p.His1034Arg)

Gene: ATP7B (ATPase copper transporting beta; minus strand). Cytogenetic location: 13q14.3.
Variant type: single nucleotide variant.
Coding change: c.3101A>G on transcript NM_000053.4 (MANE Select); coding-DNA position 3101, A replaced by G.
Protein change: p.His1034Arg; replaces histidine 1034 with arginine.
Molecular consequence: missense variant.
Genome position (GRCh38, 1-based): chr13:51,944,251, T>C on the plus strand (A>G on the coding strand, the complement: ATP7B is on the minus strand). VCF-style: chr13-51944251-T-C. GRCh37 (hg19) VCF-style: chr13-52518387-T-C.
Other names: c.2480A>G, p.His827Arg (NM_001005918.3); c.2768A>G, p.His923Arg (NM_001243182.2); c.2867A>G, p.His956Arg (NM_001330578.2); c.2849A>G, p.His950Arg (NM_001330579.2); short protein forms H1034R, H827R, H923R, H956R, H950R.
Identifiers: ClinVar variation 35719 (VCV000035719.53), dbSNP rs74085882, ClinGen allele CA260138.